The following is an entry in ClinVar:

NM_000096.4(CP):c.1731del (p.Glu577fs)

Gene: CP (ceruloplasmin; minus strand). Cytogenetic location: 3q24.
Variant type: Deletion.
Coding change: c.1731del on transcript NM_000096.4 (MANE Select); coding-DNA position 1731, one base deleted (A; older notation c.1731delA).
Protein change: p.Glu577fs; shifts the reading frame from glutamic acid 577.
Molecular consequence: frameshift variant. On other transcripts: non-coding transcript variant (1).
Genome position (GRCh38, 1-based): chr3:149,188,185, T deleted on the plus strand (A on the coding strand, the reverse complement: CP is on the minus strand); the first of 2 consecutive T bases (chr3:149,188,185-149,188,186); deleting either gives the same sequence. VCF-style (leftmost placement, unchanged base first): chr3-149188184-AT-A. GRCh37 (hg19) VCF-style: chr3-148905971-AT-A.
Other names: short protein forms E577fs.
Identifiers: ClinVar variation 1451712 (VCV001451712.6), dbSNP rs2108244261, ClinGen allele CA2573136649.
Genomic context (GRCh38, chr3:149,188,184, plus strand): 5'-TAATATTATCTTCCAGGAGTAAACTCTCATTCTCATCAAATACTGTAGGAAACAAATAGA[AT>A]TCCTTGTCTACATCTTTCTGTAAATCAAAACAAAATGAGATGGAGACAGAATGAATAAAG-3'

ClinVar aggregate classification (germline): Pathogenic (1 of 4 stars; one submission).

Conditions:
Deficiency of ferroxidase (ACEP). Also called: NEURODEGENERATION WITH BRAIN IRON ACCUMULATION 10; Deficiency of ceruloplasmin; Aceruloplasminemia; Ceruloplasmin deficiency; Familial apoceruloplasmin deficiency; Hereditary ceruloplasmin deficiency. Identifiers: Orphanet 48818, MedGen C0878682, MONDO:0011426, OMIM 604290, HP:0025498.

Submission:

Labcorp Genetics (formerly Invitae), Labcorp
Classification: Pathogenic for Deficiency of ferroxidase. Last evaluated: 2024-09-16. Review status: criteria provided, single submitter. Criteria: Invitae Variant Classification Sherloc (09022015). Collection method: clinical testing. Allele origin: germline.
Comment: This sequence change creates a premature translational stop signal (p.Glu577Aspfs*47) in the CP gene. It is expected to result in an absent or disrupted protein product. Loss-of-function variants in CP are known to be pathogenic (PMID: 16629161). This variant is not present in population databases (gnomAD no frequency). This variant has not been reported in the literature in individuals affected with CP-related conditions. ClinVar contains an entry for this variant (Variation ID: 1451712). For these reasons, this variant has been classified as Pathogenic.

Literature cited by the submitters: PubMed 16629161.